The following is an entry in ClinVar:

NM_003239.5(TGFB3):c.907G>A (p.Asp303Asn)

Gene: TGFB3 (transforming growth factor beta 3; minus strand). Cytogenetic location: 14q24.3.
Variant type: single nucleotide variant.
Coding change: c.907G>A on transcript NM_003239.5 (MANE Select); coding-DNA position 907, G replaced by A.
Protein change: p.Asp303Asn; replaces aspartic acid 303 with asparagine.
Molecular consequence: missense variant.
Genome position (GRCh38, 1-based): chr14:75,963,335, C>T on the plus strand (G>A on the coding strand, the complement: TGFB3 is on the minus strand). VCF-style: chr14-75963335-C-T. GRCh37 (hg19) VCF-style: chr14-76429678-C-T.
Other names: c.907G>A, p.Asp303Asn (NM_001329938.2, NM_001329939.2); short protein forms D303N.
Identifiers: ClinVar variation 4885825 (VCV004885825.2).

ClinVar aggregate classification (germline): Uncertain significance (1 of 4 stars; one submission).

Submission:

Dasa
Classification: Uncertain significance. Last evaluated: 2026-03-21. Review status: criteria provided, single submitter. Criteria: DASA Assertion Criteria. Collection method: clinical testing. Allele origin: germline.
Comment: NM_003239.5(TGFB3):c.907G>A (p.Asp303Asn) is a missense variant that results in the substitution of aspartic acid with asparagine. This variant is rare in population databases. The currently available literature and clinical evidence are not sufficient to establish a definitive association between this variant and the reported condition. Therefore, this variant is classified as a variant of uncertain significance.